The following is an entry in ClinVar:

ClinVar aggregate classification (germline): Uncertain significance (1 of 4 stars; one submission).

Conditions:
Hereditary cancer-predisposing syndrome. Also called: Neoplastic Syndromes, Hereditary; Tumor predisposition; Hereditary neoplastic syndrome; Hereditary Cancer Syndrome. Identifiers: Orphanet 140162, MedGen C0027672, MeSH D009386, MONDO:0015356.

Submission:

Ambry Genetics
Classification: Uncertain significance for Hereditary cancer-predisposing syndrome. Last evaluated: 2024-02-28. Review status: criteria provided, single submitter. Criteria: Ambry Variant Classification Scheme 2023. Collection method: clinical testing. Allele origin: germline.
Comment: The p.D161N variant (also known as c.481G>A), located in coding exon 1 of the HOXB13 gene, results from a G to A substitution at nucleotide position 481. The aspartic acid at codon 161 is replaced by asparagine, an amino acid with highly similar properties. This amino acid position is conserved. In addition, this alteration is predicted to be tolerated by in silico analysis. Based on the available evidence, the clinical significance of this alteration remains unclear.

NM_006361.6(HOXB13):c.481G>A (p.Asp161Asn)

Gene: HOXB13 (homeobox B13; minus strand). Cytogenetic location: 17q21.32.
Variant type: single nucleotide variant.
Coding change: c.481G>A on transcript NM_006361.6 (MANE Select); coding-DNA position 481, G replaced by A.
Protein change: p.Asp161Asn; replaces aspartic acid 161 with asparagine.
Molecular consequence: missense variant.
Genome position (GRCh38, 1-based): chr17:48,728,113, C>T on the plus strand (G>A on the coding strand, the complement: HOXB13 is on the minus strand). VCF-style: chr17-48728113-C-T. GRCh37 (hg19) VCF-style: chr17-46805475-C-T.
Other names: short protein forms D161N.
Identifiers: ClinVar variation 3225540 (VCV003225540.1), dbSNP rs1555558589, ClinGen allele CA400107365.